The following is an entry in ClinVar:

NM_001330700.2(TOP2B):c.3571G>A (p.Ala1191Thr)

Gene: TOP2B (DNA topoisomerase II beta; minus strand). Cytogenetic location: 3p24.2.
Variant type: single nucleotide variant.
Coding change: c.3571G>A on transcript NM_001330700.2 (MANE Select); coding-DNA position 3571, G replaced by A.
Protein change: p.Ala1191Thr; replaces alanine 1191 with threonine.
Molecular consequence: missense variant.
Genome position (GRCh38, 1-based): chr3:25,615,225, C>T on the plus strand (G>A on the coding strand, the complement: TOP2B is on the minus strand). VCF-style: chr3-25615225-C-T. GRCh37 (hg19) VCF-style: chr3-25656716-C-T.
Other names: c.3556G>A, p.Ala1186Thr (NM_001068.3); short protein forms A1186T, A1191T.
Identifiers: ClinVar variation 3632041 (VCV003632041.2).

ClinVar aggregate classification (germline): Uncertain significance (1 of 4 stars; one submission).

gnomAD v4.1: 11 of 1,612,050 alleles (0.00068%); highest among the groups gnomAD compares: Non-Finnish European, 0.00093%; no homozygotes.

Submission:

Labcorp Genetics (formerly Invitae), Labcorp
Classification: Uncertain significance. Last evaluated: 2024-09-11. Review status: criteria provided, single submitter. Criteria: Invitae Variant Classification Sherloc (09022015). Collection method: clinical testing. Allele origin: germline.
Comment: This sequence change replaces alanine, which is neutral and non-polar, with threonine, which is neutral and polar, at codon 1186 of the TOP2B protein (p.Ala1186Thr). This variant is present in population databases (rs534487496, gnomAD 0.004%). This variant has not been reported in the literature in individuals affected with TOP2B-related conditions. An algorithm developed to predict the effect of missense changes on protein structure and function (PolyPhen-2) suggests that this variant is likely to be tolerated. In summary, the available evidence is currently insufficient to determine the role of this variant in disease. Therefore, it has been classified as a Variant of Uncertain Significance.